The following is an entry in ClinVar:

NM_004698.4(PRPF3):c.1406T>A (p.Met469Lys)

Gene: PRPF3 (pre-mRNA processing factor 3; plus strand). Cytogenetic location: 1q21.2.
Variant type: single nucleotide variant.
Coding change: c.1406T>A on transcript NM_004698.4 (MANE Select); coding-DNA position 1406, T replaced by A.
Protein change: p.Met469Lys; replaces methionine 469 with lysine.
Molecular consequence: missense variant. On other transcripts: non-coding transcript variant (4).
Genome position (GRCh38, 1-based): chr1:150,343,432, T>A. VCF-style: chr1-150343432-T-A. GRCh37 (hg19) VCF-style: chr1-150315908-T-A.
Other names: c.1001T>A, p.Met334Lys (NM_001350529.1); short protein forms M334K, M469K.
Identifiers: ClinVar variation 3644682 (VCV003644682.2).

ClinVar aggregate classification (germline): Uncertain significance (1 of 4 stars; one submission).

Submission:

Labcorp Genetics (formerly Invitae), Labcorp
Classification: Uncertain significance. Last evaluated: 2024-03-13. Review status: criteria provided, single submitter. Criteria: Invitae Variant Classification Sherloc (09022015). Collection method: clinical testing. Allele origin: germline.
Comment: This sequence change replaces methionine, which is neutral and non-polar, with lysine, which is basic and polar, at codon 469 of the PRPF3 protein (p.Met469Lys). This variant is not present in population databases (gnomAD no frequency). This variant has not been reported in the literature in individuals affected with PRPF3-related conditions. Advanced modeling of protein sequence and biophysical properties (such as structural, functional, and spatial information, amino acid conservation, physicochemical variation, residue mobility, and thermodynamic stability) performed at Invitae indicates that this missense variant is not expected to disrupt PRPF3 protein function with a negative predictive value of 80%. In summary, the available evidence is currently insufficient to determine the role of this variant in disease. Therefore, it has been classified as a Variant of Uncertain Significance.